The following is an entry in ClinVar:

NM_002075.4(GNB3):c.23G>A (p.Arg8His)

Gene: GNB3 (G protein subunit beta 3; plus strand). Cytogenetic location: 12p13.31.
Variant type: single nucleotide variant.
Coding change: c.23G>A on transcript NM_002075.4 (MANE Select); coding-DNA position 23, G replaced by A.
Protein change: p.Arg8His; replaces arginine 8 with histidine.
Molecular consequence: missense variant.
Genome position (GRCh38, 1-based): chr12:6,841,310, G>A. VCF-style: chr12-6841310-G-A. GRCh37 (hg19) VCF-style: chr12-6950474-G-A.
Other names: c.23G>A, p.Arg8His (NM_001297571.2); c.23G>A (NM_002075.2); short protein forms R8H.
Identifiers: ClinVar variation 964467 (VCV000964467.9), dbSNP rs199531660, ClinGen allele CA6417335.
Genomic context (GRCh38, chr12:6,841,310, plus strand): 5'-CCTGGCAGGAGCCAGAGTGACCCCTCGACCTGTCAGCCATGGGGGAGATGGAGCAACTGC[G>A]TCAGGAAGCGGAGCAGCTCAAGAAGCAGATTGCAGTAACTCCAGAGCCCTACCCCTGGGG-3'
Protein context (NP_002066.1, residues 1-18): MGEMEQL[Arg8His]QEAEQLKKQI

ClinVar aggregate classification (germline): Uncertain significance. Review status: criteria provided, multiple submitters, no conflicts (2 of 4 stars). 3 submissions from 3 submitters: Uncertain significance (3). Last evaluated 2025-12-29.

Conditions:
Inborn genetic diseases. Identifiers: MedGen C0950123, MeSH D030342.

Allele frequency attached by ClinVar (database versions not stated): gnomAD exomes 0.00006 and 0.00015; TOPMed 0.00006; ExAC 0.00008; gnomAD 0.00009; 1000 Genomes Project 30x 0.00016; 1000 Genomes Project 0.00020.
gnomAD v4.1: 218 of 1,613,572 alleles (0.014%); highest among the groups gnomAD compares: Non-Finnish European, 0.017%; no homozygotes.

Submissions (3):

Labcorp Genetics (formerly Invitae), Labcorp
Classification: Uncertain significance. Last evaluated: 2025-12-29. Review status: criteria provided, single submitter. Criteria: Invitae Variant Classification Sherloc (09022015). Collection method: clinical testing. Allele origin: germline.
Comment: This sequence change replaces arginine, which is basic and polar, with histidine, which is basic and polar, at codon 8 of the GNB3 protein (p.Arg8His). This variant is present in population databases (rs199531660, gnomAD 0.01%). This variant has not been reported in the literature in individuals affected with GNB3-related conditions. ClinVar contains an entry for this variant (Variation ID: 964467). Invitae Evidence Modeling of protein sequence and biophysical properties (such as structural, functional, and spatial information, amino acid conservation, physicochemical variation, residue mobility, and thermodynamic stability) indicates that this missense variant is not expected to disrupt GNB3 protein function with a negative predictive value of 80%. In summary, the available evidence is currently insufficient to determine the role of this variant in disease. Therefore, it has been classified as a Variant of Uncertain Significance.

Ambry Genetics
Classification: Uncertain significance for Inborn genetic diseases. Last evaluated: 2024-08-27. Review status: criteria provided, single submitter. Criteria: Ambry Variant Classification Scheme 2023. Collection method: clinical testing. Allele origin: germline.

Blueprint Genetics
Classification: Uncertain significance. Last evaluated: 2023-07-26. Review status: criteria provided, single submitter. Criteria: ACMG Guidelines, 2015. Collection method: clinical testing. Allele origin: germline.